The following is an entry in ClinVar:

ClinVar aggregate classification (germline): Pathogenic (1 of 4 stars; one submission).

Submission:

GeneDx
Classification: Pathogenic. Last evaluated: 2016-09-21. Review status: criteria provided, single submitter. Criteria: GeneDx Variant Classification (06012015). Collection method: clinical testing. Allele origin: germline. Affected: yes.
Comment: The K150X nonsense variant in the PHEX gene is predicted to cause loss of normal protein function either through protein truncation or nonsense-mediated mRNA decay. The variant was not observed in approximately 6,500 individuals of European and African American ancestry in the NHLBI Exome Sequencing Project, indicating it is not a common benign variant in these populations. Although this pathogenic variant has not been reported previously to our knowledge, its presence is consistent with the diagnosis of X-linked hypophosphatemic rickets

NM_000444.6(PHEX):c.448A>T (p.Lys150Ter)

Gene: PHEX (phosphate regulating endopeptidase homolog X-linked; plus strand). Cytogenetic location: Xp22.11.
Variant type: single nucleotide variant.
Coding change: c.448A>T on transcript NM_000444.6 (MANE Select); coding-DNA position 448, A replaced by T.
Protein change: p.Lys150Ter; replaces lysine 150 with a stop codon.
Molecular consequence: nonsense.
Genome position (GRCh38, 1-based): chrX:22,077,487, A>T. VCF-style: chrX-22077487-A-T. GRCh37 (hg19) VCF-style: chrX-22095605-A-T.
Other names: c.448A>T, p.Lys150Ter (NM_001282754.2); short protein forms K150*.
Identifiers: ClinVar variation 280906 (VCV000280906.2), dbSNP rs886042025, ClinGen allele CA10603628.
Genomic context (GRCh38, chrX:22,077,487, plus strand): 5'-TGATCCAGTTTGCAATTCTAACTTTCTCTTCATATCTGCTCCCTTTCAGAAGCGATTGAA[A>T]AAGCAGATGCCAAGCCACTGCTACACATCCTACGGCATTCACCTTTCCGCTGGCCCGTGC-3'